The following is an entry in ClinVar:

NM_001267550.2(TTN):c.106286C>T (p.Thr35429Ile)

Genes: TTN (titin; minus strand), TTN-AS1 (TTN antisense RNA 1; plus strand). Cytogenetic location: 2q31.2.
Variant type: single nucleotide variant.
Coding change: c.106286C>T on transcript NM_001267550.2 (MANE Select); coding-DNA position 106286, C replaced by T.
Protein change: p.Thr35429Ile; replaces threonine 35429 with isoleucine.
Molecular consequence: missense variant.
Genome position (GRCh38, 1-based): chr2:178,530,329, G>A on the plus strand (C>T on the coding strand, the complement: TTN is on the minus strand). VCF-style: chr2-178530329-G-A. GRCh37 (hg19) VCF-style: chr2-179395056-G-A.
Other names: c.101363C>T, p.Thr33788Ile (NM_001256850.1); c.79091C>T, p.Thr26364Ile (NM_003319.4); c.98582C>T, p.Thr32861Ile (NM_133378.4); c.79466C>T, p.Thr26489Ile (NM_133432.3); c.79667C>T, p.Thr26556Ile (NM_133437.4); short protein forms T26364I, T26556I, T32861I, T33788I, T26489I, T35429I.
Identifiers: ClinVar variation 944064 (VCV000944064.8), dbSNP rs1241466221, ClinGen allele CA349406310.

ClinVar aggregate classification (germline): Uncertain significance (1 of 4 stars; one submission).

Conditions:
Dilated cardiomyopathy 1G (CMD1G). Identifiers: Orphanet 154, MedGen C1858763, MONDO:0011400, OMIM 604145.
Autosomal recessive limb-girdle muscular dystrophy type 2J (LGMDR10). Also called: MUSCULAR DYSTROPHY, LIMB-GIRDLE, AUTOSOMAL RECESSIVE 10; Limb-girdle muscular dystrophy, type 2J. Identifiers: Orphanet 140922, MedGen C1837342, MONDO:0012127, OMIM 608807.

Allele frequency attached by ClinVar (database versions not stated): gnomAD 0.00001.
gnomAD v4.1: 1 of 1,613,872 alleles (0.000062%); highest among the groups gnomAD compares: African/African-American, 0.0013%; no homozygotes.

Submission:

Labcorp Genetics (formerly Invitae), Labcorp
Classification: Uncertain significance for Dilated cardiomyopathy 1G; Autosomal recessive limb-girdle muscular dystrophy type 2J. Last evaluated: 2019-04-25. Review status: criteria provided, single submitter. Criteria: Invitae Variant Classification Sherloc (09022015). Collection method: clinical testing. Allele origin: germline.
Comment: In summary, the available evidence is currently insufficient to determine the role of this variant in disease. Therefore, it has been classified as a Variant of Uncertain Significance. Algorithms developed to predict the effect of missense changes on protein structure and function are unavailable for the TTN gene. This variant is located in the M band of TTN (PMID: 25589632). Variants in this region may be relevant for neuromuscular disorders, but have not been definitively shown to cause cardiomyopathy (PMID: 23975875). This variant has not been reported in the literature in individuals with TTN-related conditions. This variant is not present in population databases (ExAC no frequency). This sequence change replaces threonine with isoleucine at codon 35429 of the TTN protein (p.Thr35429Ile). There is a moderate physicochemical difference between threonine and isoleucine.

Literature cited by the submitters: PubMed 25589632; PubMed 23975875.